The following is an entry in ClinVar:

ClinVar aggregate classification (germline): Likely benign. Review status: criteria provided, multiple submitters, no conflicts (2 of 4 stars). 3 submissions from 3 submitters: Likely benign (2). 1 of the submissions does not count toward it. Last evaluated 2024-12-04.

Conditions:
PCDH12-related disorder. Also called: PCDH12-related condition.

Allele frequency attached by ClinVar (database versions not stated): gnomAD exomes below 0.00001 and 0.00001; ExAC 0.00004; TOPMed 0.00006; gnomAD 0.00009 and 0.00011.
gnomAD v4.1: 52 of 1,614,184 alleles (0.0032%); highest among the groups gnomAD compares: Admixed American, 0.022%; 2 homozygotes.

Submissions (3):

Labcorp Genetics (formerly Invitae), Labcorp
Classification: Likely benign. Last evaluated: 2024-12-04. Review status: criteria provided, single submitter. Criteria: Invitae Variant Classification Sherloc (09022015). Collection method: clinical testing. Allele origin: germline.

Blueprint Genetics
Classification: Likely benign. Last evaluated: 2024-11-06. Review status: criteria provided, single submitter. Criteria: ACMG Guidelines, 2015. Collection method: clinical testing. Allele origin: germline.

PreventionGenetics, part of Exact Sciences
Classification: Likely benign for PCDH12-related condition. Last evaluated: 2019-08-27. Review status: no assertion criteria provided. Collection method: clinical testing. Allele origin: germline. Not counted in ClinVar's aggregate classification.
Comment: This variant is classified as likely benign based on ACMG/AMP sequence variant interpretation guidelines (Richards et al. 2015 PMID: 25741868, with internal and published modifications).

NM_016580.4(PCDH12):c.1563G>A (p.Arg521=)

Genes: PCDH12 (protocadherin 12; minus strand), RNF14 (ring finger protein 14; plus strand). Cytogenetic location: 5q31.3.
Variant type: single nucleotide variant.
Coding change: c.1563G>A on transcript NM_016580.4 (MANE Select); coding-DNA position 1563, G replaced by A.
Protein change: p.Arg521=; no amino-acid change (arginine 521 retained).
Molecular consequence: synonymous variant.
Genome position (GRCh38, 1-based): chr5:141,956,289, C>T on the plus strand (G>A on the coding strand, the complement: PCDH12 is on the minus strand). VCF-style: chr5-141956289-C-T. GRCh37 (hg19) VCF-style: chr5-141335854-C-T.
Identifiers: ClinVar variation 713465 (VCV000713465.11), dbSNP rs375775264, ClinGen allele CA3484385.
Genomic context (GRCh38, chr5:141,956,289, plus strand): 5'-CCCGCTGTCCTCTGCGATCACCTGGAACTCAAAGCCGGCCATCTCTTCATAGTTCAGTGA[C>T]CTCTGAGCAGTGACCTCTCCTGTGTTGGAGTCAATAGCTACTAAGTGAGCAACTGGGGAG-3'
Protein context (NP_057664.1, residues 511-531): DSNTGEVTAQ[Arg521=]SLNYEEMAGF